The following is an entry in ClinVar:

ClinVar aggregate classification (germline): Uncertain significance (1 of 4 stars; one submission).

gnomAD v4.1: 1 of 1,211,967 alleles (0.000083%); highest among the groups gnomAD compares: Non-Finnish European, 0.00011%; no homozygotes.

Submission:

GeneDx
Classification: Uncertain significance. Last evaluated: 2025-04-02. Review status: criteria provided, single submitter. Criteria: GeneDx Variant Classification Process June 2021. Collection method: clinical testing. Allele origin: germline. Affected: yes.
Comment: Not observed at significant frequency in large population cohorts (gnomAD); In silico analysis supports that this missense variant has a deleterious effect on protein structure/function; Has not been previously published as pathogenic or benign germline variant to our knowledge; This variant is associated with the following publications: (PMID: 27199457)

NM_004463.3(FGD1):c.2752C>T (p.Arg918Trp)

Genes: FGD1 (FYVE, RhoGEF and PH domain containing 1; minus strand), TSR2 (TSR2 ribosome maturation factor; plus strand). Cytogenetic location: Xp11.22.
Variant type: single nucleotide variant.
Coding change: c.2752C>T on transcript NM_004463.3 (MANE Select); coding-DNA position 2752, C replaced by T.
Protein change: p.Arg918Trp; replaces arginine 918 with tryptophan.
Molecular consequence: missense variant. On other transcripts: 3 prime UTR variant (5).
Genome position (GRCh38, 1-based): chrX:54,446,243, G>A on the plus strand (C>T on the coding strand, the complement: FGD1 is on the minus strand). VCF-style: chrX-54446243-G-A. GRCh37 (hg19) VCF-style: chrX-54472676-G-A.
Other names: c.*1693G>A (NM_001346789.2, NM_001346790.2, NM_001346791.2 and 2 more transcripts); short protein forms R918W.
Identifiers: ClinVar variation 4278798 (VCV004278798.1).
Genomic context (GRCh38, chrX:54,446,243, plus strand): 5'-CCATCTCCCTGTCCTCAGACAGTGTGGGCCCCGGGCAGAACGTGTCCCCTCGGCCCGCCC[G>A]GCCAAGCACAGCCATCCAGCGTCGCTGTAGTTCCTCTGTCTCAGGGCTGAAGTACCAGCT-3'
Protein context (NP_004454.2, residues 908-928): LQRRWMAVLG[Arg918Trp]AGRGDTFCPG